The following is an entry in ClinVar:

ClinVar aggregate classification (germline): Uncertain significance (1 of 4 stars; one submission).

Conditions:
DLG4-related disorder. Also called: DLG4-related condition.

gnomAD v4.1: 2 of 1,566,586 alleles (0.00013%); highest among the groups gnomAD compares: Non-Finnish European, 0.00017%; no homozygotes.

Submission:

PreventionGenetics, part of Exact Sciences
Classification: Uncertain significance for DLG4-related condition. Last evaluated: 2026-03-05. Review status: criteria provided, single submitter. Criteria: ACMG Guidelines, 2015. Collection method: clinical testing. Allele origin: germline.
Comment: The DLG4 c.66G>A variant is predicted to result in premature protein termination (p.Trp22*). This variant corresponds to a pre-coding position in an alternate transcript for this gene (NM_001321075:c.-1446G>A). To our knowledge, this variant has not been reported in the literature. This variant is reported in 0.0014% of alleles in individuals of European (Non-Finnish) descent in gnomAD. At this time, the clinical significance of this variant is uncertain due to the absence of conclusive functional and genetic evidence.

NM_001365.5(DLG4):c.66G>A (p.Trp22Ter)

Genes: ACADVL (acyl-CoA dehydrogenase very long chain; plus strand), DLG4 (discs large MAGUK scaffold protein 4; minus strand). Cytogenetic location: 17p13.1.
Variant type: single nucleotide variant.
Coding change: c.66G>A on transcript NM_001365.5 (MANE Plus Clinical); coding-DNA position 66, G replaced by A.
Protein change: p.Trp22Ter; replaces tryptophan 22 with a stop codon.
Molecular consequence: nonsense. On other transcripts: non-coding transcript variant (1), intron variant (1).
Genome position (GRCh38, 1-based): chr17:7,218,593, C>T on the plus strand (G>A on the coding strand, the complement: DLG4 is on the minus strand). VCF-style: chr17-7218593-C-T. GRCh37 (hg19) VCF-style: chr17-7121912-C-T.
Other names: c.66G>A, p.Trp22Ter (NM_001321074.1); c.131+775C>T (NM_001270447.2); short protein forms W22*.
Identifiers: ClinVar variation 4980012 (VCV004980012.1).